The following is an entry in ClinVar:

ClinVar aggregate classification (germline): Conflicting classifications of pathogenicity. Review status: criteria provided, conflicting classifications (1 of 4 stars). 2 submissions from 2 submitters: Uncertain significance (1); Likely benign (1). Last evaluated 2025-12-03.

Conditions:
Hereditary cancer-predisposing syndrome. Also called: Neoplastic Syndromes, Hereditary; Hereditary neoplastic syndrome; Hereditary Cancer Syndrome; Tumor predisposition. Identifiers: Orphanet 140162, MedGen C0027672, MeSH D009386, MONDO:0015356.
Tuberous sclerosis 1 (TSC1). Identifiers: Orphanet 805, MedGen C1854465, MONDO:0008612, OMIM 191100.

Allele frequency attached by ClinVar (database versions not stated): gnomAD exomes below 0.00001.
gnomAD v4.1: 1 of 1,614,036 alleles (0.000062%); highest among the groups gnomAD compares: Non-Finnish European, 0.000085%; no homozygotes.

Submissions (2):

Ambry Genetics
Classification: Uncertain significance for Hereditary cancer-predisposing syndrome. Last evaluated: 2025-12-03. Review status: criteria provided, single submitter. Criteria: Ambry Variant Classification Scheme 2023. Collection method: clinical testing. Allele origin: germline.
Comment: The p.P545L variant (also known as c.1634C>T), located in coding exon 13 of the TSC1 gene, results from a C to T substitution at nucleotide position 1634. The proline at codon 545 is replaced by leucine, an amino acid with similar properties. This amino acid position is conserved. In addition, the in silico prediction for this alteration is inconclusive. Based on the available evidence, the clinical significance of this variant remains unclear.

Labcorp Genetics (formerly Invitae), Labcorp
Classification: Likely benign for Tuberous sclerosis 1. Last evaluated: 2023-05-22. Review status: criteria provided, single submitter. Criteria: Invitae Variant Classification Sherloc (09022015). Collection method: clinical testing. Allele origin: germline.

NM_000368.5(TSC1):c.1634C>T (p.Pro545Leu)

Gene: TSC1 (TSC complex subunit 1; minus strand). Cytogenetic location: 9q34.13.
Variant type: single nucleotide variant.
Coding change: c.1634C>T on transcript NM_000368.5 (MANE Select); coding-DNA position 1634, C replaced by T.
Protein change: p.Pro545Leu; replaces proline 545 with leucine.
Molecular consequence: missense variant.
Genome position (GRCh38, 1-based): chr9:132,905,944, G>A on the plus strand (C>T on the coding strand, the complement: TSC1 is on the minus strand). VCF-style: chr9-132905944-G-A. GRCh37 (hg19) VCF-style: chr9-135781331-G-A.
Other names: c.1631C>T, p.Pro544Leu (NM_001162426.2, NM_001406597.1, NM_001406598.1 and 6 more transcripts); c.1481C>T, p.Pro494Leu (NM_001162427.2, NM_001406610.1); c.1271C>T, p.Pro424Leu (NM_001362177.2, NM_001406624.1, NM_001406614.1 and 5 more transcripts); c.1634C>T, p.Pro545Leu (NM_001406592.1, NM_001406593.1, NM_001406594.1 and 7 more transcripts); c.1478C>T, p.Pro493Leu (NM_001406611.1, NM_001406612.1, NM_001406613.1); c.1268C>T, p.Pro423Leu (NM_001406625.1, NM_001406620.1, NM_001406621.1 and 2 more transcripts); c.683C>T, p.Pro228Leu (NM_001406626.1); c.680C>T, p.Pro227Leu (NM_001406627.1, NM_001406628.1); and 1 more; short protein forms P227L, P424L, P494L, P544L, P545L, P423L, P194L, P228L.
Identifiers: ClinVar variation 2164384 (VCV002164384.5), dbSNP rs1464618848, ClinGen allele CA375364558.